The following is an entry in ClinVar:

ClinVar aggregate classification (germline): Uncertain significance (1 of 4 stars; one submission).

Conditions:
Bardet-Biedl syndrome (BBS). Identifiers: Orphanet 110, MedGen C0752166, MONDO:0015229.

Allele frequency attached by ClinVar (database versions not stated): gnomAD exomes below 0.00001; ExAC 0.00001.
gnomAD v4.1: 1 of 1,614,090 alleles (0.000062%); highest among the groups gnomAD compares: Admixed American, 0.0017%; no homozygotes.

Submission:

Labcorp Genetics (formerly Invitae), Labcorp
Classification: Uncertain significance for Bardet-Biedl syndrome. Last evaluated: 2021-06-24. Review status: criteria provided, single submitter. Criteria: Invitae Variant Classification Sherloc (09022015). Collection method: clinical testing. Allele origin: germline.
Comment: In summary, the available evidence is currently insufficient to determine the role of this variant in disease. Therefore, it has been classified as a Variant of Uncertain Significance. Algorithms developed to predict the effect of missense changes on protein structure and function output the following: SIFT: "Tolerated"; PolyPhen-2: "Benign"; Align-GVGD: "Class C0". The isoleucine amino acid residue is found in multiple mammalian species, suggesting that this missense change does not adversely affect protein function. These predictions have not been confirmed by published functional studies and their clinical significance is uncertain. This variant has not been reported in the literature in individuals with TRIM32-related conditions. This variant is present in population databases (rs776918693, ExAC 0.009%). This sequence change replaces valine with isoleucine at codon 286 of the TRIM32 protein (p.Val286Ile). The valine residue is moderately conserved and there is a small physicochemical difference between valine and isoleucine.

NM_012210.4(TRIM32):c.856G>A (p.Val286Ile)

Genes: ASTN2 (astrotactin 2; minus strand), TRIM32 (tripartite motif containing 32; plus strand). Cytogenetic location: 9q33.1.
Variant type: single nucleotide variant.
Coding change: c.856G>A on transcript NM_012210.4 (MANE Select); coding-DNA position 856, G replaced by A.
Protein change: p.Val286Ile; replaces valine 286 with isoleucine.
Molecular consequence: missense variant. On other transcripts: intron variant (3).
Genome position (GRCh38, 1-based): chr9:116,698,598, G>A. VCF-style: chr9-116698598-G-A. GRCh37 (hg19) VCF-style: chr9-119460877-G-A.
Other names: c.856G>A, p.Val286Ile (NM_001099679.2, NM_001379048.1, NM_001379049.1 and 1 more transcripts); c.2653+27173C>T (NM_014010.5); c.2794+27173C>T (NM_001365069.1); c.2806+27173C>T (NM_001365068.1); short protein forms V286I.
Identifiers: ClinVar variation 1037841 (VCV001037841.8), dbSNP rs776918693, ClinGen allele CA5211055.